The following is an entry in ClinVar:

ClinVar aggregate classification (germline): Benign. Review status: criteria provided, multiple submitters, no conflicts (2 of 4 stars). 3 submissions from 3 submitters: Benign (3). Last evaluated 2019-09-14.

Conditions:
Maple syrup urine disease (MSUD). Identifiers: Orphanet 511, MedGen C0024776, MeSH D008375, MONDO:0009563. Disease mechanism: loss of function.

Allele frequency attached by ClinVar (database versions not stated): gnomAD exomes 0.00338; gnomAD 0.02421 and 0.02605; TOPMed 0.02722; 1000 Genomes Project 0.02855; 1000 Genomes Project 30x 0.02967.
gnomAD v4.1: 4,247 of 317,246 alleles (1.3%); highest among the groups gnomAD compares: African/African-American, 8.4%; 158 homozygotes.

Submissions (3):

GeneDx
Classification: Benign. Last evaluated: 2019-09-14. Review status: criteria provided, single submitter. Criteria: GeneDx Variant Classification Process June 2021. Collection method: clinical testing. Allele origin: germline. Affected: yes.

Illumina Laboratory Services, Illumina
Classification: Benign for Maple syrup urine disease type 1A. Last evaluated: 2018-01-13. Review status: criteria provided, single submitter. Criteria: ICSL Variant Classification Criteria 13 December 2019. Collection method: clinical testing. Allele origin: germline.
Comment: This variant was observed in the ICSL laboratory as part of a predisposition screen in an ostensibly healthy population. It had not been previously curated by ICSL or reported in the Human Gene Mutation Database (HGMD: prior to June 1st, 2018), and was therefore a candidate for classification through an automated scoring system. Utilizing variant allele frequency, disease prevalence and penetrance estimates, and inheritance mode, an automated score was calculated to assess if this variant is too frequent to cause the disease. Based on the score and internal cut-off values, a variant classified as benign is not then subjected to further curation. The score for this variant resulted in a classification of benign for this disease.

Breakthrough Genomics
Classification: Benign. Review status: criteria provided, single submitter. Criteria: ACMG Guidelines, 2015. Collection method: not provided. Allele origin: germline. Inheritance: Autosomal recessive inheritance. Affected: yes.

NM_000709.4(BCKDHA):c.*309A>G

Gene: BCKDHA (branched chain keto acid dehydrogenase E1 subunit alpha; plus strand). Cytogenetic location: 19q13.2.
Variant type: single nucleotide variant.
Coding change: c.*309A>G on transcript NM_000709.4 (MANE Select); 309 bases downstream of the stop codon, A replaced by G.
Molecular consequence: 3 prime UTR variant.
Genome position (GRCh38, 1-based): chr19:41,424,917, A>G. VCF-style: chr19-41424917-A-G. GRCh37 (hg19) VCF-style: chr19-41930822-A-G.
Other names: c.*309A>G (NM_001164783.2).
Identifiers: ClinVar variation 329374 (VCV000329374.8), dbSNP rs10421626, ClinGen allele CA10648756.